The following is an entry in ClinVar:

ClinVar aggregate classification (germline): Likely pathogenic (1 of 4 stars; one submission).

Conditions:
Acrocallosal syndrome (ACLS). Also called: HALLUX DUPLICATION, POSTAXIAL POLYDACTYLY, AND ABSENCE OF CORPUS CALLOSUM; Schinzel syndrome 1; Absence of corpus callosum with unusual facial appearance, mental deficiency, duplication of the halluces and polydactyly. Identifiers: Orphanet 36, MedGen C0796147, MONDO:0008708, OMIM 200990.
Multiple epiphyseal dysplasia, Al-Gazali type. Also called: Macrocephaly with multiple epiphyseal dysplasia and distinctive facies. Identifiers: Orphanet 166024, MedGen C1846722, MONDO:0011778, OMIM 607131.

Submission:

Department of Molecular Genetics, Istishari Arab Hospital
Classification: Likely pathogenic for Multiple epiphyseal dysplasia, Al-Gazali type; Acrocallosal syndrome. Last evaluated: 2026-07-14. Review status: criteria provided, single submitter. Criteria: ACMG Guidelines, 2015. Collection method: clinical testing. Allele origin: germline. Inheritance: Autosomal recessive inheritance. Affected: yes.
Comment: The KIF7 variant c.732_733insACGAA, p.Val245Thrfs*79 creates a shift in the reading frame starting at codon 245 in exon 4 (out of 19 exons). The new reading frame ends in a stop codon 79 positions downstream. The variant is not observed in the gnomAD v4.1.0 dataset, and to the best of our knowledge, it was not previously reported in the literature. It is classified as likely pathogenic according to the recommendations of ACMG/AMP/ClinGen SVI guidelines.

NM_198525.3(KIF7):c.732_733insACGAA (p.Val245fs)

Gene: KIF7 (kinesin family member 7; minus strand). Cytogenetic location: 15q26.1.
Variant type: Insertion.
Coding change: c.732_733insACGAA on transcript NM_198525.3 (MANE Select); coding-DNA positions 732 to 733, ACGAA inserted.
Protein change: p.Val245fs; shifts the reading frame from valine 245.
Molecular consequence: frameshift variant.
Genome position: GRCh38 VCF-style: chr15-89649164-C-CTTCGT. GRCh37 (hg19) VCF-style: chr15-90192395-C-CTTCGT.
Other names: p.Val245Thrfs*79; short protein forms V245fs.
Identifiers: ClinVar variation 4871839 (VCV004871839.1).